The following is an entry in ClinVar:

ClinVar aggregate classification (germline): Uncertain significance. Review status: criteria provided, multiple submitters, no conflicts (2 of 4 stars). 3 submissions from 2 submitters: Uncertain significance (3). Last evaluated 2022-09-03.

Conditions:
Isolated focal cortical dysplasia type II (FCORD2). Also called: CORTICAL DYSPLASIA OF TAYLOR; Focal cortical dysplasia type II. Identifiers: Orphanet 268994, MedGen C1846385, MONDO:0011818, OMIM 607341, HP:0032051.
Tuberous sclerosis 1 (TSC1). Identifiers: Orphanet 805, MedGen C1854465, MONDO:0008612, OMIM 191100.

Allele frequency attached by ClinVar (database versions not stated): gnomAD exomes below 0.00001.
gnomAD v4.1: 1 of 1,613,836 alleles (0.000062%); highest among the groups gnomAD compares: Non-Finnish European, 0.000085%; no homozygotes.

Submissions (3):

Labcorp Genetics (formerly Invitae), Labcorp
Classification: Uncertain significance for Tuberous sclerosis 1. Last evaluated: 2022-09-03. Review status: criteria provided, single submitter. Criteria: Invitae Variant Classification Sherloc (09022015). Collection method: clinical testing. Allele origin: germline.
Comment: In summary, the available evidence is currently insufficient to determine the role of this variant in disease. Therefore, it has been classified as a Variant of Uncertain Significance. Variants that disrupt the consensus splice site are a relatively common cause of aberrant splicing (PMID: 17576681, 9536098). Algorithms developed to predict the effect of sequence changes on RNA splicing suggest that this variant is not likely to affect RNA splicing. ClinVar contains an entry for this variant (Variation ID: 915122). This variant has not been reported in the literature in individuals affected with TSC1-related conditions. This variant is not present in population databases (gnomAD no frequency). This sequence change falls in intron 15 of the TSC1 gene. It does not directly change the encoded amino acid sequence of the TSC1 protein. It affects a nucleotide within the consensus splice site.

Illumina Laboratory Services, Illumina
Classification: Uncertain significance for Tuberous sclerosis 1. Last evaluated: 2018-03-02. Review status: criteria provided, single submitter. Criteria: ICSL Variant Classification Criteria 13 December 2019. Collection method: clinical testing. Allele origin: germline.

Illumina Laboratory Services, Illumina
Classification: Uncertain significance for Isolated focal cortical dysplasia type II. Last evaluated: 2018-03-02. Review status: criteria provided, single submitter. Criteria: ICSL Variant Classification Criteria 13 December 2019. Collection method: clinical testing. Allele origin: germline.

Literature cited by the submitters: PubMed 17576681 (cited by Labcorp Genetics (formerly Invitae), Labcorp); PubMed 9536098 (cited by Labcorp Genetics (formerly Invitae), Labcorp).

NM_000368.5(TSC1):c.1997+6G>A

Gene: TSC1 (TSC complex subunit 1; minus strand). Cytogenetic location: 9q34.13.
Variant type: single nucleotide variant.
Coding change: c.1997+6G>A on transcript NM_000368.5 (MANE Select); 6 bases into the intron after coding-DNA position 1997, G replaced by A.
Molecular consequence: intron variant.
Genome position (GRCh38, 1-based): chr9:132,905,575, C>T on the plus strand (G>A on the coding strand, the complement: TSC1 is on the minus strand). VCF-style: chr9-132905575-C-T. GRCh37 (hg19) VCF-style: chr9-135780962-C-T.
Other names: c.1634+6G>A (NM_001362177.2); c.1844+6G>A (NM_001162427.2); c.1994+6G>A (NM_001162426.2).
Identifiers: ClinVar variation 915122 (VCV000915122.8), dbSNP rs553762962, ClinGen allele CA1139661275.